The following is an entry in ClinVar:

ClinVar aggregate classification (germline): Uncertain significance (1 of 4 stars; one submission).

Conditions:
SEMA3A-related disorder. Also called: SEMA3A-related condition.

gnomAD v4.1: 25 of 1,613,562 alleles (0.0015%); highest among the groups gnomAD compares: Non-Finnish European, 0.0019%; no homozygotes.

Submission:

PreventionGenetics, part of Exact Sciences
Classification: Uncertain significance for SEMA3A-related condition. Last evaluated: 2025-11-06. Review status: criteria provided, single submitter. Criteria: ACMG Guidelines, 2015. Collection method: clinical testing. Allele origin: germline.
Comment: The SEMA3A c.221A>G variant is predicted to result in the amino acid substitution p.Lys74Arg. To our knowledge, this variant has not been reported in the literature. This variant is reported in 0.0062% of alleles in individuals of European (Non-Finnish) descent in gnomAD. At this time, the clinical significance of this variant is uncertain due to the absence of conclusive functional and genetic evidence.

NM_006080.3(SEMA3A):c.221A>G (p.Lys74Arg)

Gene: SEMA3A (semaphorin 3A; minus strand). Cytogenetic location: 7q21.11.
Variant type: single nucleotide variant.
Coding change: c.221A>G on transcript NM_006080.3 (MANE Select); coding-DNA position 221, A replaced by G.
Protein change: p.Lys74Arg; replaces lysine 74 with arginine.
Molecular consequence: missense variant.
Genome position (GRCh38, 1-based): chr7:84,134,843, T>C on the plus strand (A>G on the coding strand, the complement: SEMA3A is on the minus strand). VCF-style: chr7-84134843-T-C. GRCh37 (hg19) VCF-style: chr7-83764159-T-C.
Other names: short protein forms K74R.
Identifiers: ClinVar variation 4978890 (VCV004978890.1).